The following is an entry in ClinVar:

ClinVar aggregate classification (germline): Pathogenic. Review status: criteria provided, multiple submitters, no conflicts (2 of 4 stars). 2 submissions from 2 submitters: Pathogenic (2). Last evaluated 2024-01-04.

Conditions:
Breast-ovarian cancer, familial, susceptibility to, 4. Identifiers: Orphanet 145, MedGen C3280345, MONDO:0013669, OMIM 614291.

Submissions (2):

Myriad Genetics, Inc.
Classification: Pathogenic for Breast-ovarian cancer, familial, susceptibility to, 4. Last evaluated: 2024-01-04. Review status: criteria provided, single submitter. Criteria: Myriad Autosomal Dominant, Autosomal Recessive and X-Linked Classification Criteria (2023). Collection method: clinical testing. Allele origin: unknown.
Comment: This variant is considered pathogenic. This variant creates a frameshift predicted to result in premature protein truncation.

Labcorp Genetics (formerly Invitae), Labcorp
Classification: Pathogenic for Breast-ovarian cancer, familial, susceptibility to, 4. Last evaluated: 2020-09-01. Review status: criteria provided, single submitter. Criteria: Invitae Variant Classification Sherloc (09022015). Collection method: clinical testing. Allele origin: germline.
Comment: This sequence change creates a premature translational stop signal (p.Leu50Trpfs*4) in the RAD51D gene. It is expected to result in an absent or disrupted protein product. This variant is not present in population databases (ExAC no frequency). This variant has not been reported in the literature in individuals with RAD51D-related disease. Loss-of-function variants in RAD51D are known to be pathogenic (PMID: 21822267). For these reasons, this variant has been classified as Pathogenic.

Literature cited by the submitters: PubMed 21822267 (cited by Labcorp Genetics (formerly Invitae), Labcorp).

NM_002878.4(RAD51D):c.148del (p.Leu50fs)

Genes: RAD51L3-RFFL (RAD51L3-RFFL readthrough; minus strand), RAD51D (RAD51 paralog D; minus strand). Cytogenetic location: 17q12.
Variant type: Deletion.
Coding change: c.148del on transcript NM_002878.4 (MANE Select); coding-DNA position 148, one base deleted (C; older notation c.148delC).
Protein change: p.Leu50fs; shifts the reading frame from leucine 50.
Molecular consequence: frameshift variant. On other transcripts: intron variant (2).
Genome position (GRCh38, 1-based): chr17:35,118,616, G deleted on the plus strand (C on the coding strand, the reverse complement: RAD51D is on the minus strand); the first of 3 consecutive G bases (chr17:35,118,616-35,118,618); deleting any one gives the same sequence. VCF-style (leftmost placement, unchanged base first): chr17-35118615-AG-A. GRCh37 (hg19) VCF-style: chr17-33445634-AG-A.
Other names: c.144+495del (NM_133629.3, NM_001142571.2); c.148delC (NM_002878.3); short protein forms L50fs.
Identifiers: ClinVar variation 539860 (VCV000539860.7), dbSNP rs1555570301, ClinGen allele CA658798817.
Genomic context (GRCh38, chr17:35,118,615, plus strand): 5'-TCAGCGCCATTCACGGGGAAAGCCGAGAACTGAGCCAGCAGCACCCGCCTCAGGGCAACC[AG>A]GGCCTGCCAAAGGGCCCCAGACTGCTCAGCAACAAATTGCCCGTAGAAGCTGGCATCCCA-3'